The following is an entry in ClinVar:

NM_000426.4(LAMA2):c.7710_7711insG (p.Pro2571fs)

Gene: LAMA2 (laminin subunit alpha 2; plus strand). Cytogenetic location: 6q22.33.
Variant type: Insertion.
Coding change: c.7710_7711insG on transcript NM_000426.4 (MANE Select); coding-DNA positions 7710 to 7711, G inserted.
Protein change: p.Pro2571fs; shifts the reading frame from proline 2571.
Molecular consequence: frameshift variant.
Genome position: GRCh38 VCF-style: chr6-129481400-A-AG. GRCh37 (hg19) VCF-style: chr6-129802545-A-AG.
Other names: c.7698_7699insG, p.Pro2567fs (NM_001079823.2); short protein forms P2571fs, P2567fs.
Identifiers: ClinVar variation 477508 (VCV000477508.7), dbSNP rs1554305937, ClinGen allele CA658657620.

ClinVar aggregate classification (germline): Pathogenic (1 of 4 stars; one submission).

Conditions:
LAMA2-related muscular dystrophy (LAMA2-RD). Also called: Laminin alpha 2-related dystrophy. Identifiers: MedGen C5679788, MONDO:0100228.

Submission:

Labcorp Genetics (formerly Invitae), Labcorp
Classification: Pathogenic for LAMA2-related muscular dystrophy. Last evaluated: 2022-07-25. Review status: criteria provided, single submitter. Criteria: Invitae Variant Classification Sherloc (09022015). Collection method: clinical testing. Allele origin: germline.
Comment: This sequence change creates a premature translational stop signal (p.Pro2571Alafs*5) in the LAMA2 gene. It is expected to result in an absent or disrupted protein product. Loss-of-function variants in LAMA2 are known to be pathogenic (PMID: 18700894, 32904964). For these reasons, this variant has been classified as Pathogenic. ClinVar contains an entry for this variant (Variation ID: 477508). This variant has not been reported in the literature in individuals affected with LAMA2-related conditions. This variant is not present in population databases (gnomAD no frequency).

Literature cited by the submitters: PubMed 18700894; PubMed 32904964.